The following is an entry in ClinVar:

NM_022489.4(INF2):c.2418+3G>A

Gene: INF2 (inverted formin 2; plus strand). Cytogenetic location: 14q32.33.
Variant type: single nucleotide variant.
Coding change: c.2418+3G>A on transcript NM_022489.4 (MANE Select); 3 bases into the intron after coding-DNA position 2418, G replaced by A.
Molecular consequence: intron variant.
Genome position (GRCh38, 1-based): chr14:104,711,189, G>A. VCF-style: chr14-104711189-G-A. GRCh37 (hg19) VCF-style: chr14-105177526-G-A.
Other names: c.2418+3G>A (NM_001031714.4).
Identifiers: ClinVar variation 566305 (VCV000566305.10), dbSNP rs748896420, ClinGen allele CA7372907.

ClinVar aggregate classification (germline): Uncertain significance. Review status: criteria provided, multiple submitters, no conflicts (2 of 4 stars). 3 submissions from 3 submitters: Uncertain significance (3). Last evaluated 2025-04-17.

Conditions:
Inborn genetic diseases. Identifiers: MedGen C0950123, MeSH D030342.
Focal segmental glomerulosclerosis 5 (FSGS5). Identifiers: Orphanet 656, MedGen C2750475, MONDO:0013191, OMIM 613237.
Charcot-Marie-Tooth disease dominant intermediate E. Also called: CHARCOT-MARIE-TOOTH NEUROPATHY WITH FOCAL SEGMENTAL GLOMERULONEPHRITIS. Identifiers: Orphanet 93114, MedGen C4302667, MONDO:0013758, OMIM 614455.

Allele frequency attached by ClinVar (database versions not stated): ExAC below 0.00001; gnomAD exomes 0.00003 and 0.00004; gnomAD 0.00004; TOPMed 0.00004.
gnomAD v4.1: 64 of 1,553,340 alleles (0.0041%); highest among the groups gnomAD compares: Non-Finnish European, 0.0056%; no homozygotes.

Submissions (3):

Labcorp Genetics (formerly Invitae), Labcorp
Classification: Uncertain significance for Charcot-Marie-Tooth disease dominant intermediate E; Focal segmental glomerulosclerosis 5. Last evaluated: 2025-04-17. Review status: criteria provided, single submitter. Criteria: Invitae Variant Classification Sherloc (09022015). Collection method: clinical testing. Allele origin: germline.
Comment: This sequence change falls in intron 15 of the INF2 gene. It does not directly change the encoded amino acid sequence of the INF2 protein. It affects a nucleotide within the consensus splice site. The frequency data for this variant in the population databases is considered unreliable, as metrics indicate poor data quality at this position in the gnomAD database. This variant has not been reported in the literature in individuals affected with INF2-related conditions. ClinVar contains an entry for this variant (Variation ID: 566305). Variants that disrupt the consensus splice site are a relatively common cause of aberrant splicing (PMID: 17576681, 9536098). Algorithms developed to predict the effect of sequence changes on RNA splicing suggest that this variant is not likely to affect RNA splicing. In summary, the available evidence is currently insufficient to determine the role of this variant in disease. Therefore, it has been classified as a Variant of Uncertain Significance.

Ambry Genetics
Classification: Uncertain significance for Inborn genetic diseases. Last evaluated: 2022-02-25. Review status: criteria provided, single submitter. Criteria: Ambry Variant Classification Scheme 2023. Collection method: clinical testing. Allele origin: germline.
Comment: The c.2418+3G>A intronic variant results from a G to A substitution 3 nucleotides after coding exon 14 in the INF2 gene. This nucleotide position is not well conserved in available vertebrate species. In silico splice site analysis predicts that this alteration will not have any significant effect on splicing. Since supporting evidence is limited at this time, the clinical significance of this alteration remains unclear.

Fulgent Genetics
Classification: Uncertain significance for Focal segmental glomerulosclerosis 5; Charcot-Marie-Tooth disease dominant intermediate E. Last evaluated: 2021-08-27. Review status: criteria provided, single submitter. Criteria: ACMG Guidelines, 2015. Collection method: clinical testing. Allele origin: unknown.

Literature cited by the submitters: PubMed 17576681 (cited by Labcorp Genetics (formerly Invitae), Labcorp); PubMed 9536098 (cited by Labcorp Genetics (formerly Invitae), Labcorp).